The following is an entry in ClinVar:

ClinVar aggregate classification (germline): Uncertain significance (1 of 4 stars; one submission).

Conditions:
Hereditary cancer-predisposing syndrome. Also called: Tumor predisposition; Hereditary Cancer Syndrome; Hereditary neoplastic syndrome; Neoplastic Syndromes, Hereditary. Identifiers: Orphanet 140162, MedGen C0027672, MeSH D009386, MONDO:0015356.

Submission:

Ambry Genetics
Classification: Uncertain significance for Hereditary cancer-predisposing syndrome. Last evaluated: 2023-06-24. Review status: criteria provided, single submitter. Criteria: Ambry Variant Classification Scheme 2023. Collection method: clinical testing. Allele origin: germline.
Comment: The p.K571N variant (also known as c.1713G>C), located in coding exon 11 of the CTNNA1 gene, results from a G to C substitution at nucleotide position 1713. The lysine at codon 571 is replaced by asparagine, an amino acid with similar properties. This amino acid position is conserved. In addition, this alteration is predicted to be tolerated by in silico analysis. Since supporting evidence is limited at this time, the clinical significance of this alteration remains unclear.

NM_001903.5(CTNNA1):c.1713G>C (p.Lys571Asn)

Gene: CTNNA1 (catenin alpha 1; plus strand). Cytogenetic location: 5q31.2.
Variant type: single nucleotide variant.
Coding change: c.1713G>C on transcript NM_001903.5 (MANE Select); coding-DNA position 1713, G replaced by C.
Protein change: p.Lys571Asn; replaces lysine 571 with asparagine.
Molecular consequence: missense variant.
Genome position (GRCh38, 1-based): chr5:138,924,676, G>C. VCF-style: chr5-138924676-G-C. GRCh37 (hg19) VCF-style: chr5-138260365-G-C.
Other names: c.1713G>C, p.Lys571Asn (NM_001290307.3, NM_001323982.2, NM_001323983.1 and 2 more transcripts); c.1404G>C, p.Lys468Asn (NM_001290309.3); c.1344G>C, p.Lys448Asn (NM_001290310.3); c.603G>C, p.Lys201Asn (NM_001290312.1, NM_001323987.1, NM_001323988.1 and 17 more transcripts); c.1620G>C, p.Lys540Asn (NM_001323986.2); c.264G>C, p.Lys88Asn (NM_001324006.1, NM_001324007.1, NM_001324008.1 and 2 more transcripts); c.510G>C, p.Lys170Asn (NM_001324011.1); c.360G>C, p.Lys120Asn (NM_001324012.1, NM_001324013.1); short protein forms K120N, K201N, K540N, K571N, K448N, K468N, K88N, K170N.
Identifiers: ClinVar variation 2625474 (VCV002625474.2), dbSNP rs2150289698, ClinGen allele CA361132034.